The following is an entry in ClinVar:

NM_001130987.2(DYSF):c.1464C>A (p.Cys488Ter)

Gene: DYSF (dysferlin; plus strand). Cytogenetic location: 2p13.2.
Variant type: single nucleotide variant.
Coding change: c.1464C>A on transcript NM_001130987.2 (MANE Select); coding-DNA position 1464, C replaced by A.
Protein change: p.Cys488Ter; replaces cysteine 488 with a stop codon.
Molecular consequence: nonsense.
Genome position (GRCh38, 1-based): chr2:71,535,282, C>A. VCF-style: chr2-71535282-C-A. GRCh37 (hg19) VCF-style: chr2-71762412-C-A.
Other names: NM_001130987.2(DYSF):c.1464C>A; p.Cys488Ter; c.1371C>A, p.Cys457Ter (NM_001130455.2, NM_001130983.2, NM_001130984.2 and 1 more transcripts); c.1368C>A, p.Cys456Ter (NM_001130976.2, NM_001130977.2, NM_001130978.2 and 1 more transcripts); c.1461C>A, p.Cys487Ter (NM_001130979.2, NM_001130980.2, NM_001130981.2); c.1464C>A, p.Cys488Ter (NM_001130982.2, NM_001130985.2); short protein forms C456*, C488*, C457*, C487*.
Identifiers: ClinVar variation 94269 (VCV000094269.34), dbSNP rs202044973, ClinGen allele CA222125.

ClinVar aggregate classification (germline): Pathogenic. Review status: reviewed by expert panel (3 of 4 stars). 12 submissions from 12 submitters: Pathogenic (1). 11 of the submissions do not count toward it. Last evaluated 2025-10-06.

Conditions:
DYSF-related disorder. Also called: DYSF-related condition; DYSF-related disorders.
Autosomal recessive limb-girdle muscular dystrophy. Identifiers: Orphanet 102015, MedGen C2931907, MONDO:0015152.
Miyoshi muscular dystrophy 1 (MMD1). Identifiers: Orphanet 45448, MedGen C4551973, MONDO:0024545, OMIM 254130.
Distal myopathy with anterior tibial onset. Identifiers: Orphanet 178400, MedGen C1847532, MONDO:0011721, OMIM 606768.
Autosomal recessive limb-girdle muscular dystrophy type 2B (LGMDR2). Also called: MUSCULAR DYSTROPHY, LIMB-GIRDLE, TYPE 3; MUSCULAR DYSTROPHY, LIMB-GIRDLE, AUTOSOMAL RECESSIVE 2; Limb-Girdle Muscular Dystrophy Type 2B (LGMD2B); Limb-girdle muscular dystrophy, type 2B. Identifiers: Orphanet 268, MedGen C1850889, MONDO:0009676, OMIM 253601.
Neuromuscular disease caused by qualitative or quantitative defects of dysferlin. Also called: Dysferlinopathy; Qualitative or quantitative defects of dysferlin. Identifiers: Orphanet 207073, MedGen C2931687, MONDO:0016145.

Allele frequency attached by ClinVar (database versions not stated): TOPMed 0.00002.
gnomAD v4.1: 46 of 1,613,894 alleles (0.0029%); highest among the groups gnomAD compares: Non-Finnish European, 0.0036%; no homozygotes.

Submissions (12):

ClinGen Limb Girdle Muscular Dystrophy Variant Curation Expert Panel, ClinGen
Classification: Pathogenic for Autosomal recessive limb-girdle muscular dystrophy. Last evaluated: 2025-10-06. Review status: reviewed by expert panel. Criteria: ClinGen LGMD VCEP ACMG Specifications DYSF V2.0.0. Collection method: curation. Allele origin: germline. Inheritance: Autosomal recessive inheritance.
Comment: The NM_003494.4: c.1368C>A p.(Cys456Ter) variant in DYSF, which is also known as NM_001130987.2: c.1464C>A p.(Cys488Ter), is a nonsense variant predicted to cause a premature stop codon in biologically relevant exon 15/55, leading to nonsense mediated decay in a gene in which loss of function is an established disease mechanism (PVS1). This variant has been identified in at least five individuals with features consistent with dysferlinopathy (PMID: 33927379, 33610434, 36983702), including in a homozygous state without reported familial consanguinity in two individuals (1.0 pt, PMID: 33610434; LOVD Individual #00327594, #00326989) (PM3). At least one individual with this variant and a second presumed diagnostic DYSF variant displayed progressive muscle wasting and absent dysferlin protein expression in skeletal muscle or blood monocytes, which is highly specific for DYSF-related LGMD (PMID: 33610434, 36983702; PP4_Strong). In gnomAD v4.1.0, the upper bound of the 95% confidence interval of the Grpmax variant allele frequency is 0.000046991 (based on 43/1179974 European (non-Finnish) alleles), which is less than the ClinGen LGMD VCEP threshold (≤0.0001) (PM2_Supporting). In summary, this variant meets the criteria to be classified as Pathogenic for autosomal recessive limb-girdle muscular dystrophy based on the ACMG/AMP criteria applied, as specified by the ClinGen LGMD VCEP (LGMD VCEP specifications version 2.0.0; 10/06/2025): PVS1, PM3, PM2_Supporting, PP4_Strong.

Natera, Inc.
Classification: Pathogenic for Limb-girdle muscular dystrophy type 2B. Last evaluated: 2025-10-29. Review status: criteria provided, single submitter. Criteria: Natera Variant Classification Schema (03/2026). Collection method: clinical testing. Allele origin: germline. Not counted in ClinVar's aggregate classification.
Comment: The c.1368C>A variant in DYSF is a nonsense variant predicted to introduce a stop codon at amino acid 456. This variant is expected to result in nonsense mediated decay, truncation, or a dysfunctional protein product. This variant is rare in the general population with a frequency below the threshold expected for the associated phenotype(s). This variant has been observed in one or more individuals affected with the associated recessive disease, as either homozygous or compound heterozygous with a second variant (PMID: 33715265, 33927379, 33610434). Given the available evidence, this variant is classified as Pathogenic.

Labcorp Genetics (formerly Invitae), Labcorp
Classification: Pathogenic for Neuromuscular disease caused by qualitative or quantitative defects of dysferlin. Last evaluated: 2025-10-18. Review status: criteria provided, single submitter. Criteria: Invitae Variant Classification Sherloc (09022015). Collection method: clinical testing. Allele origin: germline. Not counted in ClinVar's aggregate classification.
Comment: This sequence change creates a premature translational stop signal (p.Cys456*) in the DYSF gene. It is expected to result in an absent or disrupted protein product. Loss-of-function variants in DYSF are known to be pathogenic (PMID: 17698709, 20301480). This variant is present in population databases (rs202044973, gnomAD 0.004%). This premature translational stop signal has been observed in individuals with dysferlinopathies (PMID: 20817457, 24488599). ClinVar contains an entry for this variant (Variation ID: 94269). For these reasons, this variant has been classified as Pathogenic.

Revvity Omics, Revvity
Classification: Pathogenic. Last evaluated: 2025-07-01. Review status: criteria provided, single submitter. Criteria: ACMG Guidelines, 2015. Collection method: clinical testing. Allele origin: germline. Not counted in ClinVar's aggregate classification.

PreventionGenetics, part of Exact Sciences
Classification: Pathogenic for DYSF-related condition. Last evaluated: 2025-02-28. Review status: criteria provided, single submitter. Criteria: ACMG Guidelines, 2015. Collection method: clinical testing. Allele origin: germline. Not counted in ClinVar's aggregate classification.
Comment: The DYSF c.1368C>A variant is predicted to result in premature protein termination (p.Cys456*). This variant has been reported in the homozygous and compound heterozygous states in individuals with limb-girdle muscular dystrophy (Ankala et al. 2014. PubMed ID: 24488599; Harris et al. 2016. PubMed ID: 27602406; Li et al. 2020. PubMed ID: 32889728). This variant is reported in 0.0040% of alleles in individuals of African descent in gnomAD. Nonsense variants in DYSF are expected to be pathogenic. This variant is interpreted as pathogenic.

Blueprint Genetics
Classification: Pathogenic for DYSF-related disorders. Last evaluated: 2024-06-10. Review status: criteria provided, single submitter. Criteria: ACMG Guidelines, 2015. Collection method: clinical testing. Allele origin: germline. Affected: yes. Observed: 5 variant alleles. Not counted in ClinVar's aggregate classification.

Fulgent Genetics
Classification: Pathogenic for Autosomal recessive limb-girdle muscular dystrophy type 2B; Miyoshi muscular dystrophy 1; Distal myopathy with anterior tibial onset. Last evaluated: 2024-05-06. Review status: criteria provided, single submitter. Criteria: ACMG Guidelines, 2015. Collection method: clinical testing. Allele origin: germline. Not counted in ClinVar's aggregate classification.

Baylor Genetics
Classification: Pathogenic for Miyoshi muscular dystrophy 1. Last evaluated: 2024-01-25. Review status: criteria provided, single submitter. Criteria: ACMG Guidelines, 2015. Collection method: clinical testing. Allele origin: unknown. Not counted in ClinVar's aggregate classification.

GeneDx
Classification: Pathogenic. Last evaluated: 2023-08-10. Review status: criteria provided, single submitter. Criteria: GeneDx Variant Classification Process June 2021. Collection method: clinical testing. Allele origin: germline. Affected: yes. Not counted in ClinVar's aggregate classification.
Comment: Observed in the compound heterozygous state with a second DYSF variant in an individual with LGMD2B (Li et al., 2020); Nonsense variant predicted to result in protein truncation or nonsense mediated decay in a gene for which loss-of-function is a known mechanism of disease; Not observed at significant frequency in large population cohorts (gnomAD); This variant is associated with the following publications: (PMID: 24488599, 33715265, 20301480, 27602406, 33610434, 20817457, 36983702, 32889728)

Athena Diagnostics
Classification: Pathogenic. Last evaluated: 2017-03-28. Review status: criteria provided, single submitter. Criteria: Athena Diagnostics Criteria. Collection method: clinical testing. Allele origin: germline. Not counted in ClinVar's aggregate classification.

Eurofins Ntd Llc (ga)
Classification: Pathogenic. Last evaluated: 2015-07-31. Review status: criteria provided, single submitter. Criteria: EGL Classification Definitions 2015. Collection method: clinical testing. Allele origin: germline. Observed: 4 variant alleles, 2 heterozygotes, 2 homozygotes. Not counted in ClinVar's aggregate classification.

Counsyl
Classification: Pathogenic for Autosomal recessive limb-girdle muscular dystrophy type 2B. Last evaluated: 2017-04-19. Review status: no assertion criteria provided. Collection method: clinical testing. Allele origin: unknown. Not counted in ClinVar's aggregate classification.

Literature cited by the submitters: PubMed 33715265 (cited by Natera, Inc.); PubMed 33927379 (cited by Natera, Inc.); PubMed 33610434 (cited by Natera, Inc.); PubMed 17698709 (cited by Labcorp Genetics (formerly Invitae), Labcorp); PubMed 20301480 (cited by Labcorp Genetics (formerly Invitae), Labcorp); PubMed 20817457 (cited by Labcorp Genetics (formerly Invitae), Labcorp and Athena Diagnostics); PubMed 24488599 (cited by Labcorp Genetics (formerly Invitae), Labcorp and Athena Diagnostics); PubMed 27602406 (cited by Counsyl).